The following is an entry in ClinVar:

ClinVar aggregate classification (germline): Uncertain significance (1 of 4 stars; one submission).

Allele frequency attached by ClinVar (database versions not stated): gnomAD exomes below 0.00001.
gnomAD v4.1: 6 of 1,613,342 alleles (0.00037%); highest among the groups gnomAD compares: Non-Finnish European, 0.00051%; no homozygotes.

Submission:

Labcorp Genetics (formerly Invitae), Labcorp
Classification: Uncertain significance. Last evaluated: 2024-10-16. Review status: criteria provided, single submitter. Criteria: Invitae Variant Classification Sherloc (09022015). Collection method: clinical testing. Allele origin: germline.
Comment: This sequence change replaces threonine, which is neutral and polar, with isoleucine, which is neutral and non-polar, at codon 469 of the TCIRG1 protein (p.Thr469Ile). This variant is not present in population databases (gnomAD no frequency). This variant has not been reported in the literature in individuals affected with TCIRG1-related conditions. ClinVar contains an entry for this variant (Variation ID: 1423583). Invitae Evidence Modeling of protein sequence and biophysical properties (such as structural, functional, and spatial information, amino acid conservation, physicochemical variation, residue mobility, and thermodynamic stability) indicates that this missense variant is not expected to disrupt TCIRG1 protein function with a negative predictive value of 80%. In summary, the available evidence is currently insufficient to determine the role of this variant in disease. Therefore, it has been classified as a Variant of Uncertain Significance.

NM_006019.4(TCIRG1):c.1406C>T (p.Thr469Ile)

Gene: TCIRG1 (T cell immune regulator 1, ATPase H+ transporting V0 subunit a3; plus strand). Cytogenetic location: 11q13.2.
Variant type: single nucleotide variant.
Coding change: c.1406C>T on transcript NM_006019.4 (MANE Select); coding-DNA position 1406, C replaced by T.
Protein change: p.Thr469Ile; replaces threonine 469 with isoleucine.
Molecular consequence: missense variant.
Genome position (GRCh38, 1-based): chr11:68,047,747, C>T. VCF-style: chr11-68047747-C-T. GRCh37 (hg19) VCF-style: chr11-67815214-C-T.
Other names: c.512C>T, p.Thr171Ile (NM_001351059.2); c.758C>T, p.Thr253Ile (NM_006053.4); short protein forms T171I, T469I, T253I.
Identifiers: ClinVar variation 1423583 (VCV001423583.7), dbSNP rs2134455432, ClinGen allele CA381584036.
Genomic context (GRCh38, chr11:68,047,747, plus strand): 5'-TTATGGGCCTGTTCTCCATCTACACCGGCTTCATCTACAACGAGTGCTTCAGTCGCGCCA[C>T]CAGCATCTTCCCCTCGGGCTGGAGTGTGGCCGCCATGGCCAACCAGTCTGGCTGGAGGTG-3'
Protein context (NP_006010.2, residues 459-479): FIYNECFSRA[Thr469Ile]SIFPSGWSVA